The following is an entry in ClinVar:

NM_000548.5(TSC2):c.2632C>T (p.Pro878Ser)

Gene: TSC2 (TSC complex subunit 2; plus strand). Cytogenetic location: 16p13.3.
Variant type: single nucleotide variant.
Coding change: c.2632C>T on transcript NM_000548.5 (MANE Select); coding-DNA position 2632, C replaced by T.
Protein change: p.Pro878Ser; replaces proline 878 with serine.
Molecular consequence: missense variant.
Genome position (GRCh38, 1-based): chr16:2,075,885, C>T. VCF-style: chr16-2075885-C-T. GRCh37 (hg19) VCF-style: chr16-2125886-C-T.
Other names: p.P878S:CCC>TCC; c.2632C>T, p.Pro878Ser (NM_001077183.3, NM_001114382.3, NM_001363528.2 and 3 more transcripts); c.2521C>T, p.Pro841Ser (NM_001318827.2); c.2485C>T, p.Pro829Ser (NM_001318829.2); c.2032C>T, p.Pro678Ser (NM_001318831.2); c.2665C>T, p.Pro889Ser (NM_001318832.2); c.2632C>T (NM_000548.4); short protein forms P878S, P678S, P829S, P889S, P841S.
Identifiers: ClinVar variation 65104 (VCV000065104.28), dbSNP rs397515077, ClinGen allele CA017740.

ClinVar aggregate classification (germline): Conflicting classifications of pathogenicity. Review status: criteria provided, conflicting classifications (1 of 4 stars). 12 submissions from 11 submitters: Uncertain significance (5); Likely benign (5). 2 of the submissions do not count toward it. Last evaluated 2026-01-16.

Conditions:
TSC2-related disorder. Also called: TSC2-Related Disorders; TSC2-related condition.
Hereditary cancer-predisposing syndrome. Also called: Hereditary Cancer Syndrome; Neoplastic Syndromes, Hereditary; Hereditary neoplastic syndrome; Tumor predisposition. Identifiers: Orphanet 140162, MedGen C0027672, MeSH D009386, MONDO:0015356.
Autism spectrum disorder. Also called: Autism spectrum disorders. Identifiers: MedGen C1510586, MeSH D000067877, MONDO:0005258.
Tuberous sclerosis syndrome (TSC). Also called: Tuberous Sclerosis Complex; Tuberous sclerosis. Identifiers: Orphanet 805, MedGen C0041341, MONDO:0001734.
Tuberous sclerosis 2 (TSC2). Identifiers: Orphanet 805, MedGen C1860707, MONDO:0013199, OMIM 613254.

Allele frequency attached by ClinVar (database versions not stated): ExAC 0.00001; TOPMed 0.00002.
gnomAD v4.1: 39 of 1,613,220 alleles (0.0024%); highest among the groups gnomAD compares: Non-Finnish European, 0.0031%; no homozygotes.

Submissions (12):

Labcorp Genetics (formerly Invitae), Labcorp
Classification: Likely benign for Tuberous sclerosis 2. Last evaluated: 2026-01-16. Review status: criteria provided, single submitter. Criteria: Invitae Variant Classification Sherloc (09022015). Collection method: clinical testing. Allele origin: germline.

PreventionGenetics, part of Exact Sciences
Classification: Likely benign for TSC2-related condition. Last evaluated: 2026-01-05. Review status: criteria provided, single submitter. Criteria: ACMG Guidelines, 2015. Collection method: clinical testing. Allele origin: germline.
Comment: This variant is classified as likely benign based on ACMG/AMP sequence variant interpretation guidelines (Richards et al. 2015 PMID: 25741868, with internal and published modifications).

Color Diagnostics, LLC DBA Color Health
Classification: Uncertain significance for Tuberous sclerosis syndrome. Last evaluated: 2025-05-28. Review status: criteria provided, single submitter. Criteria: ACMG Guidelines, 2015. Collection method: clinical testing. Allele origin: germline.
Comment: This missense variant replaces proline with serine at codon 878 of the TSC2 protein. Computational prediction is inconclusive regarding the impact of this variant on protein structure and function. To our knowledge, functional studies have not been reported for this variant. This variant has not been reported in individuals affected with TSC2-related disorders in the literature. This variant has been identified in 3/250536 chromosomes in the general population by the Genome Aggregation Database (gnomAD). The available evidence is insufficient to determine the role of this variant in disease conclusively. Therefore, this variant is classified as a Variant of Uncertain Significance.

Athena Diagnostics
Classification: Uncertain significance. Last evaluated: 2024-05-23. Review status: criteria provided, single submitter. Criteria: Athena Diagnostics Criteria. Collection method: clinical testing. Allele origin: unknown.
Comment: Available data are insufficient to determine the clinical significance of the variant at this time. The frequency of this variant in the general population is uninformative in assessment of its pathogenicity. This variant has been identified in at least one individual with clinical features associated with this gene. Polyphen and MutationTaster predict this amino acid change may be damaging to the protein.

Genome-Nilou Lab
Classification: Likely benign for Tuberous sclerosis 2. Last evaluated: 2021-11-07. Review status: criteria provided, single submitter. Criteria: ACMG Guidelines, 2015. Collection method: clinical testing. Allele origin: germline. Affected: no.

Ambry Genetics
Classification: Likely benign for Hereditary cancer-predisposing syndrome. Last evaluated: 2021-10-27. Review status: criteria provided, single submitter. Criteria: Ambry Variant Classification Scheme 2023. Collection method: clinical testing. Allele origin: germline.

Sema4
Classification: Uncertain significance for Hereditary cancer-predisposing syndrome. Last evaluated: 2021-08-06. Review status: criteria provided, single submitter. Criteria: Sema4 Curation Guidelines. Collection method: curation. Allele origin: germline.
Comment: The TSC2 c.2632C>T (p.P878S) variant has been reported in heterozygosity in one individual with tuberous sclerosis complex and epilepsy (PMID: 22867869). It was observed in 3/113014 chromosomes in the Non-Finnish European subpopulation in the large and broad cohorts of the Genome Aggregation Database (PMID: 32461654). The variant has been reported in ClinVar (Variation ID: 65104). Functional studies have not been performed, and in silico predictions of the variant's effect on protein function are inconclusive. The evidence is insufficient to meet ACMG/AMP criteria for classifying the variant as benign or pathogenic. Thus, the clinical significance of this variant is currently uncertain.

Revvity Omics, Revvity
Classification: Uncertain significance for Tuberous sclerosis 2. Last evaluated: 2021-04-03. Review status: criteria provided, single submitter. Criteria: ACMG Guidelines, 2015. Collection method: clinical testing. Allele origin: germline.

Laboratory for Molecular Medicine, Mass General Brigham Personalized Medicine
Classification: Uncertain significance. Last evaluated: 2016-06-23. Review status: criteria provided, single submitter. Criteria: LMM Criteria. Collection method: clinical testing. Allele origin: germline.
Comment: Variant identified in a genome or exome case(s) and assessed due to predicted null impact of the variant or pathogenic assertions in the literature or databases. Disclaimer: This variant has not undergone full assessment. The following are preliminary notes: Weakly associated with epilepsy and autism

GeneDx
Classification: Likely benign. Last evaluated: 2013-11-04. Review status: criteria provided, single submitter. Criteria: GeneDx Variant Classification (06012015). Collection method: clinical testing. Allele origin: germline. Affected: yes.
Comment: This variant is considered likely benign or benign based on one or more of the following criteria: it is a conservative change, it occurs at a poorly conserved position in the protein, it is predicted to be benign by multiple in silico algorithms, and/or has population frequency not consistent with disease.

Tuberous sclerosis database (TSC2)
No classification provided. Condition: TSC. Review status: no classification provided. Criteria: Tuberous Sclerosis Database Assertion Criteria 2015. Collection method: curation. Allele origin: germline. Affected: yes. Not counted in ClinVar's aggregate classification.

Tuberous sclerosis database (TSC2)
No classification provided. Condition: ASD. Review status: no classification provided. Criteria: Tuberous Sclerosis Database Assertion Criteria 2015. Collection method: curation. Allele origin: germline. Affected: yes. Not counted in ClinVar's aggregate classification.

Literature cited by the submitters: PubMed 22867869 (cited by 3 submitters); PubMed 35885997 (cited by Athena Diagnostics); PubMed 25401301 (cited by Athena Diagnostics and Ambry Genetics).